The following is an entry in ClinVar:

NM_005448.2(BMP15):c.783TCT[3] (p.Leu263dup)

Gene: BMP15 (bone morphogenetic protein 15; plus strand). Cytogenetic location: Xp11.22.
Variant type: Microsatellite.
Coding change: c.783TCT[3] on transcript NM_005448.2 (MANE Select); three copies in a row of the 3-base unit TCT starting at c.783; the reference has two copies in a row; one copy, 3 bases duplicated; also written c.786_788dup.
Protein change: p.Leu263dup; duplicates leucine 263.
Molecular consequence: inframe insertion.
Genome position (GRCh38, 1-based): chrX:50,916,214-50,916,216, TCT duplicated; duplicating any 3 consecutive bases within chrX:50,916,211-50,916,216 gives the same sequence; the position shown is the placement nearest the transcript's 3' end. VCF-style (leftmost placement, unchanged base first): chrX-50916210-C-CTCT. GRCh37 (hg19) VCF-style: chrX-50659210-C-CTCT.
Other names: c.786_788dup (NM_005448.2); c.786_788dupTCT (NM_005448.2).
Identifiers: ClinVar variation 259775 (VCV000259775.6), dbSNP rs371124071, ClinGen allele CA10416601.

ClinVar aggregate classification (germline): Benign. Review status: criteria provided, multiple submitters, no conflicts (2 of 4 stars). 2 submissions from 2 submitters: Benign (2). Last evaluated 2015-12-01.

Submissions (2):

GeneDx
Classification: Benign. Last evaluated: 2015-12-01. Review status: criteria provided, single submitter. Criteria: GeneDx Variant Classification Process June 2021. Collection method: clinical testing. Allele origin: germline. Affected: yes.
Comment: This variant is associated with the following publications: (PMID: 16508750, 25954833)

PreventionGenetics, part of Exact Sciences
Classification: Benign. Review status: criteria provided, single submitter. Criteria: ACMG Guidelines, 2015. Collection method: clinical testing. Allele origin: germline.